The following is an entry in ClinVar:

NM_001375524.1(TRRAP):c.6268T>G (p.Ser2090Ala)

Gene: TRRAP (transformation/transcription domain associated protein; plus strand). Cytogenetic location: 7q22.1.
Variant type: single nucleotide variant.
Coding change: c.6268T>G on transcript NM_001375524.1 (MANE Select); coding-DNA position 6268, T replaced by G.
Protein change: p.Ser2090Ala; replaces serine 2090 with alanine.
Molecular consequence: missense variant.
Genome position (GRCh38, 1-based): chr7:98,958,017, T>G. VCF-style: chr7-98958017-T-G. GRCh37 (hg19) VCF-style: chr7-98555640-T-G.
Other names: c.6193T>G (NM_003496.3); c.6247T>G, p.Ser2083Ala (NM_001244580.2); c.6193T>G, p.Ser2065Ala (NM_003496.4); short protein forms S2083A, S2090A, S2065A.
Identifiers: ClinVar variation 1991182 (VCV001991182.5), dbSNP rs373917597, ClinGen allele CA4360802.
Genomic context (GRCh38, chr7:98,958,017, plus strand): 5'-GCCTGAAAGGAGGTCCTTTTCCAGGTCTTTGGGAGGAGCCAGTCGCTACCTGGAGCAGAC[T>G]CTCTCCTCGCCAAGCCCATTGACAAGCAGCACACAGACACTGTGGTGAACTTCCTTATCC-3'
Protein context (NP_001362453.1, residues 2080-2100): GRSQSLPGAD[Ser2090Ala]LLAKPIDKQH

ClinVar aggregate classification (germline): Conflicting classifications of pathogenicity. Review status: criteria provided, conflicting classifications (1 of 4 stars). 2 submissions from 2 submitters: Uncertain significance (1); Benign (1). Last evaluated 2025-02-28.

Conditions:
TRRAP-related disorder. Also called: TRRAP-related condition.

Allele frequency attached by ClinVar (database versions not stated): ExAC 0.00004; gnomAD 0.00007; ESP Exome Variant Server 0.00008; gnomAD exomes 0.00008.
gnomAD v4.1: 127 of 1,614,166 alleles (0.0079%); highest among the groups gnomAD compares: Non-Finnish European, 0.011%; no homozygotes.

Submissions (2):

PreventionGenetics, part of Exact Sciences
Classification: Uncertain significance for TRRAP-related condition. Last evaluated: 2025-02-28. Review status: criteria provided, single submitter. Criteria: ACMG Guidelines, 2015. Collection method: clinical testing. Allele origin: germline.
Comment: The TRRAP c.6193T>G variant is predicted to result in the amino acid substitution p.Ser2065Ala. To our knowledge, this variant has not been reported in the literature. This variant is reported in 0.0085% of alleles in individuals of European (Non-Finnish) descent in gnomAD. At this time, the clinical significance of this variant is uncertain due to the absence of conclusive functional and genetic evidence.

Labcorp Genetics (formerly Invitae), Labcorp
Classification: Benign. Last evaluated: 2024-03-04. Review status: criteria provided, single submitter. Criteria: Invitae Variant Classification Sherloc (09022015). Collection method: clinical testing. Allele origin: germline.